The following is an entry in ClinVar:

NM_000059.4(BRCA2):c.7006C>T (p.Arg2336Cys)

Gene: BRCA2 (BRCA2 DNA repair associated; plus strand). Cytogenetic location: 13q13.1.
Variant type: single nucleotide variant.
Coding change: c.7006C>T on transcript NM_000059.4 (MANE Select); coding-DNA position 7006, C replaced by T.
Protein change: p.Arg2336Cys; replaces arginine 2336 with cysteine.
Molecular consequence: missense variant.
Genome position (GRCh38, 1-based): chr13:32,346,895, C>T. VCF-style: chr13-32346895-C-T. GRCh37 (hg19) VCF-style: chr13-32921032-C-T.
Other names: p.R2336C:CGC>TGC; 7234C>T; short protein forms R2336C.
Identifiers: ClinVar variation 96845 (VCV000096845.42), dbSNP rs431825347, ClinGen allele CA024698.

ClinVar aggregate classification (germline): Conflicting classifications of pathogenicity. Review status: criteria provided, conflicting classifications (1 of 4 stars). 15 submissions from 15 submitters: Uncertain significance (10); Benign (1); Likely benign (2). 2 of the submissions do not count toward it. Last evaluated 2025-12-29.

Conditions:
BRCA2-related disorder. Also called: BRCA2-related condition; BRCA2-related disorders. Identifiers: MedGen CN239275.
Breast and/or ovarian cancer. Identifiers: MedGen CN221562.
Hereditary cancer-predisposing syndrome. Also called: Tumor predisposition; Hereditary neoplastic syndrome; Neoplastic Syndromes, Hereditary; Hereditary Cancer Syndrome. Identifiers: Orphanet 140162, MedGen C0027672, MeSH D009386, MONDO:0015356.
Ovarian cancer. Also called: OVARIAN CANCER, SOMATIC. Identifiers: Orphanet 213500, MedGen C1140680, MONDO:0008170, OMIM 167000.
Hereditary breast ovarian cancer syndrome. Also called: Hereditary breast and ovarian cancer syndrome (HBOC); Hereditary breast and ovarian cancer; Hereditary breast and ovarian cancer syndrome; Breast and ovarian cancer; Hereditary breast and/or ovarian cancer syndrome; BRCA1- and BRCA2-Associated Hereditary Breast and Ovarian Cancer. Identifiers: Orphanet 145, MedGen C0677776, MeSH D061325, MONDO:0003582. Disease mechanism: loss of function.
Breast-ovarian cancer, familial, susceptibility to, 2 (BROVCA2). Also called: BRCA2 Hereditary Breast and Ovarian Cancer. Identifiers: Orphanet 145, MedGen C2675520, MONDO:0012933, OMIM 612555. Disease mechanism: loss of function.

Allele frequency attached by ClinVar (database versions not stated): gnomAD exomes 0.00001; TOPMed 0.00005; gnomAD 0.00009.
gnomAD v4.1: 29 of 1,604,296 alleles (0.0018%); highest among the groups gnomAD compares: African/African-American, 0.019%; no homozygotes.

Submissions 1 to 7 of 15:

Labcorp Genetics (formerly Invitae), Labcorp
Classification: Uncertain significance for Hereditary breast ovarian cancer syndrome. Last evaluated: 2025-12-29. Review status: criteria provided, single submitter. Criteria: Invitae Variant Classification Sherloc (09022015). Collection method: clinical testing. Allele origin: germline.
Comment: This sequence change replaces arginine, which is basic and polar, with cysteine, which is neutral and slightly polar, at codon 2336 of the BRCA2 protein (p.Arg2336Cys). This variant is present in population databases (rs431825347, gnomAD 0.01%). This missense change has been observed in individual(s) with a personal and/or family history of breast and/or ovarian cancer (PMID: 22366370; internal data). This missense change has been observed to co-occur in individuals with a different variant in BRCA2 that has been determined to be pathogenic (internal data), but the significance of this finding is unclear. ClinVar contains an entry for this variant (Variation ID: 96845). An algorithm developed to predict the effect of missense changes on protein structure and function outputs the following: PolyPhen-2: "Benign". The cysteine amino acid residue is found in multiple mammalian species, which suggests that this missense change does not adversely affect protein function. RNA analysis performed to evaluate the impact of this missense change on mRNA splicing indicates it does not significantly alter splicing (PMID: 31143303; internal data). In summary, the available evidence is currently insufficient to determine the role of this variant in disease. Therefore, it has been classified as a Variant of Uncertain Significance.

KCCC/NGS Laboratory, Kuwait Cancer Control Center
Classification: Uncertain significance for Breast-ovarian cancer, familial, susceptibility to, 2. Last evaluated: 2025-08-04. Review status: criteria provided, single submitter. Criteria: ACMG Guidelines, 2015. Collection method: clinical testing. Allele origin: germline. Inheritance: Autosomal dominant inheritance. Affected: yes. Observed: 1 heterozygote.
Comment: This sequence change replaces arginine, which is basic and polar, with cysteine, which is neutral and slightly polar, at codon 2336 of the BRCA2 protein (p.Arg2336Cys). This variant is present in population databases (rs431825347, gnomAD 0.01%).

Quest Diagnostics Nichols Institute San Juan Capistrano
Classification: Uncertain significance. Last evaluated: 2025-05-06. Review status: criteria provided, single submitter. Criteria: Quest Diagnostics criteria. Collection method: clinical testing. Allele origin: unknown.
Comment: The BRCA2 c.7006C>T (p.Arg2336Cys) variant has been reported in the published literature in individuals affected with breast and/or ovarian cancer (PMID: 22366370 (2012), 29161300 (2017), 34326862 (2021), 33471991 (2021), 38509102 (2024)). The variant has also been identified in a reportedly unaffected individual (PMID: 32467295 (2020)). Splicing studies have shown that this variant results in normal splicing patterns and unaltered transcripts (PMID: 31143303 (2019)). The frequency of this variant in the general population (Genome Aggregation Database) is uninformative in the assessment of its pathogenicity. Analysis of this variant using bioinformatics tools for the prediction of the effect of amino acid changes on protein structure and function yielded predictions that this variant is benign. Based on the available information, we are unable to determine the clinical significance of this variant.

CeGaT Center for Human Genetics Tuebingen
Classification: Likely benign. Last evaluated: 2025-04-01. Review status: criteria provided, single submitter. Criteria: CeGaT Center For Human Genetics Tuebingen Variant Classification Criteria Version 2. Collection method: clinical testing. Allele origin: germline. Affected: yes. Observed: 1 variant allele.
Comment: BRCA2: BP4, BS1:Supporting

Women's Health and Genetics/Laboratory Corporation of America, LabCorp
Classification: Uncertain significance. Last evaluated: 2024-10-24. Review status: criteria provided, single submitter. Criteria: LabCorp Variant Classification Summary - May 2015. Collection method: clinical testing. Allele origin: germline.
Comment: Variant summary: BRCA2 c.7006C>T (p.Arg2336Cys) results in a non-conservative amino acid change in the encoded protein sequence. Four of five in-silico tools predict a benign effect of the variant on protein function. Consensus agreement among computation tools predict no significant impact on normal splicing. RNA analysis performed to evaluate the impact of this missense change on mRNA splicing indicates it does not significantly alter splicing (Wangensteen_2019). The variant allele was found at a frequency of 1.8e-05 in 1604526 control chromosomes. This frequency is not significantly higher than estimated for a pathogenic variant in BRCA2 causing Hereditary Breast And Ovarian Cancer Syndrome (1.8e-05 vs 0.00075), allowing no conclusion about variant significance. c.7006C>T has been reported in the literature in individuals with a personal and/or family history of Hereditary Breast and Ovarian Cancer and pancreatic ductal adenocarcinoma (Levanat_2012, Alemar_2017, Militello_2023, Bhai_2021). These report(s) do not provide unequivocal conclusions about association of the variant with Hereditary Breast and Ovarian Cancer. Co-occurrence with another pathogenic variant has been reported at our laboratory, BRCA1 c.5324T>G(p.Met1775Arg), providing supporting evidence for a benign role. At least one publication reports experimental evidence that this variant has no impact on protein function (Sahu_2023). The following publications have been ascertained in the context of this evaluation (PMID: 29161300, 34326862, 18844490, 22366370, 37725113, 37713444, 31143303). ClinVar contains an entry for this variant (Variation ID: 96845). Based on the evidence outlined above, the variant was classified as VUS-possibly benign.

All of Us Research Program, National Institutes of Health
Classification: Uncertain significance for Breast-ovarian cancer, familial, susceptibility to, 2. Last evaluated: 2023-12-13. Review status: criteria provided, single submitter. Criteria: ACMG Guidelines, 2015. Collection method: clinical testing. Allele origin: germline. Inheritance: Autosomal dominant inheritance. Observed: 5 variant alleles, 5 heterozygotes.
Comment: This missense variant replaces arginine with cysteine at codon 2336 of the BRCA2 protein. Computational prediction suggests that this variant may not impact protein structure and function (internally defined REVEL score threshold <= 0.5, PMID: 27666373). To our knowledge, functional studies have not been reported for this variant. This variant has been reported in a breast cancer case-control meta-analysis in 1/60463 cases and 0/53461 unaffected individuals (PMID: 33471991; Leiden Open Variation Database DB-ID BRCA2_005905) and in families suspected of being affected with hereditary breast and ovarian cancer (PMID: 22366370, 29161300). This variant has been identified in 4/279248 chromosomes in the general population by the Genome Aggregation Database (gnomAD). The available evidence is insufficient to determine the role of this variant in disease conclusively. Therefore, this variant is classified as a Variant of Uncertain Significance.

This study involves interpretation of variants in research participants for the purpose of population health screening. Participant phenotype was not available at the time of variant classification. Additional details can be found in publication PMID: 35346344, PMCID: PMC8962531

Color Diagnostics, LLC DBA Color Health
Classification: Uncertain significance for Hereditary cancer-predisposing syndrome. Last evaluated: 2023-11-08. Review status: criteria provided, single submitter. Criteria: ACMG Guidelines, 2015. Collection method: clinical testing. Allele origin: germline.
Comment: This missense variant replaces arginine with cysteine at codon 2336 of the BRCA2 protein. Computational prediction suggests that this variant may not impact protein structure and function (internally defined REVEL score threshold <= 0.5, PMID: 27666373). To our knowledge, functional studies have not been reported for this variant. This variant has been reported in a breast cancer case-control meta-analysis in 1/60463 cases and 0/53461 unaffected individuals (PMID: 33471991; Leiden Open Variation Database DB-ID BRCA2_005905) and in families suspected of being affected with hereditary breast and ovarian cancer (PMID: 22366370, 29161300). This variant has been identified in 4/279248 chromosomes in the general population by the Genome Aggregation Database (gnomAD). The available evidence is insufficient to determine the role of this variant in disease conclusively. Therefore, this variant is classified as a Variant of Uncertain Significance.